The following is an entry in ClinVar:

NM_006516.4(SLC2A1):c.1A>C (p.Met1Leu)

Gene: SLC2A1 (solute carrier family 2 member 1; minus strand). Cytogenetic location: 1p34.2.
Variant type: single nucleotide variant.
Coding change: c.1A>C on transcript NM_006516.4 (MANE Select); coding-DNA position 1, A replaced by C.
Protein change: p.Met1Leu; changes the start codon (methionine 1).
Molecular consequence: missense variant, initiator codon variant.
Genome position (GRCh38, 1-based): chr1:42,958,651, T>G on the plus strand (A>C on the coding strand, the complement: SLC2A1 is on the minus strand). VCF-style: chr1-42958651-T-G. GRCh37 (hg19) VCF-style: chr1-43424322-T-G.
Other names: short protein forms M1L.
Identifiers: ClinVar variation 2748659 (VCV002748659.3), dbSNP rs2124478725, ClinGen allele CA339965904.

ClinVar aggregate classification (germline): Pathogenic (1 of 4 stars; one submission).

Conditions:
GLUT1 deficiency syndrome 1, autosomal recessive. Identifiers: MedGen C3149117.

Submission:

Labcorp Genetics (formerly Invitae), Labcorp
Classification: Pathogenic for GLUT1 deficiency syndrome 1, autosomal recessive. Last evaluated: 2023-08-02. Review status: criteria provided, single submitter. Criteria: Invitae Variant Classification Sherloc (09022015). Collection method: clinical testing. Allele origin: germline.
Comment: This variant is not present in population databases (gnomAD no frequency). Disruption of the initiator codon has been observed in individual(s) with autosomal dominant Glut1 deficiency syndrome (PMID: 20129935, 26193382). For these reasons, this variant has been classified as Pathogenic. This sequence change affects the initiator methionine of the SLC2A1 mRNA. The next in-frame methionine is located at codon 13.

Literature cited by the submitters: PubMed 20129935; PubMed 26193382.